The following is an entry in ClinVar:

NM_000051.4(ATM):c.8467G>A (p.Val2823Ile)

Genes: ATM (ATM serine/threonine kinase; plus strand), C11orf65 (chromosome 11 open reading frame 65; minus strand). Cytogenetic location: 11q22.3.
Variant type: single nucleotide variant.
Coding change: c.8467G>A on transcript NM_000051.4 (MANE Select); coding-DNA position 8467, G replaced by A.
Protein change: p.Val2823Ile; replaces valine 2823 with isoleucine.
Molecular consequence: missense variant. On other transcripts: intron variant (2).
Genome position (GRCh38, 1-based): chr11:108,345,791, G>A. VCF-style: chr11-108345791-G-A. GRCh37 (hg19) VCF-style: chr11-108216518-G-A.
Other names: c.8467G>A, p.Val2823Ile (NM_001351834.2); c.641-36720C>T (NM_001330368.2); c.695-10499C>T (NM_001351110.2); short protein forms V2823I.
Identifiers: ClinVar variation 3326259 (VCV003326259.3).
Genomic context (GRCh38, chr11:108,345,791, plus strand): 5'-CTCTATTTAAAGGAGGTGCAAAAAAAGTCTTTTGAAGAGAAATATGAAGTCTTCATGGAT[G>A]TTTGCCAAAATTTTCAACCAGTTTTCCGTTACTTCTGCATGGAAAAATTCTTGGATCCAG-3'
Protein context (NP_000042.3, residues 2813-2833): FEEKYEVFMD[Val2823Ile]CQNFQPVFRY

ClinVar aggregate classification (germline): Conflicting classifications of pathogenicity. Review status: criteria provided, conflicting classifications (1 of 4 stars). 2 submissions from 2 submitters: Uncertain significance (1); Likely benign (1). Last evaluated 2024-10-31.

Conditions:
Ataxia-telangiectasia syndrome (AT). Also called: Ataxia-telangiectasia; Ataxia-telangiectasia, complementation group D; AT, COMPLEMENTATION GROUP C; Ataxia-telangiectasia, complementation group E; LOUIS-BAR SYNDROME; Cerebello-oculocutaneous telangiectasia. Identifiers: Orphanet 100, MedGen C0004135, MONDO:0008840, OMIM 208900.
Hereditary cancer-predisposing syndrome. Also called: Neoplastic Syndromes, Hereditary; Tumor predisposition; Hereditary Cancer Syndrome; Hereditary neoplastic syndrome. Identifiers: Orphanet 140162, MedGen C0027672, MeSH D009386, MONDO:0015356.

Submissions (2):

Labcorp Genetics (formerly Invitae), Labcorp
Classification: Uncertain significance for Ataxia-telangiectasia syndrome. Last evaluated: 2024-10-31. Review status: criteria provided, single submitter. Criteria: Invitae Variant Classification Sherloc (09022015). Collection method: clinical testing. Allele origin: germline.
Comment: This sequence change replaces valine, which is neutral and non-polar, with isoleucine, which is neutral and non-polar, at codon 2823 of the ATM protein (p.Val2823Ile). This variant is not present in population databases (gnomAD no frequency). This variant has not been reported in the literature in individuals affected with ATM-related conditions. Invitae Evidence Modeling of protein sequence and biophysical properties (such as structural, functional, and spatial information, amino acid conservation, physicochemical variation, residue mobility, and thermodynamic stability) indicates that this missense variant is not expected to disrupt ATM protein function with a negative predictive value of 95%. In summary, the available evidence is currently insufficient to determine the role of this variant in disease. Therefore, it has been classified as a Variant of Uncertain Significance.

Ambry Genetics
Classification: Likely benign for Hereditary cancer-predisposing syndrome. Last evaluated: 2024-05-18. Review status: criteria provided, single submitter. Criteria: Ambry Variant Classification Scheme 2023. Collection method: clinical testing. Allele origin: germline.